The following is an entry in ClinVar:

ClinVar aggregate classification (germline): Benign/Likely benign. Review status: criteria provided, multiple submitters, no conflicts (2 of 4 stars). 3 submissions from 3 submitters: Benign (1); Likely benign (2). Last evaluated 2026-01-05.

Allele frequency attached by ClinVar (database versions not stated): gnomAD exomes 0.00060; ExAC 0.00077; TOPMed 0.00209; gnomAD 0.00228; 1000 Genomes Project 0.00260; ESP Exome Variant Server 0.00277; 1000 Genomes Project 30x 0.00328.
gnomAD v4.1: 817 of 1,613,312 alleles (0.051%); highest among the groups gnomAD compares: African/African-American, 0.7%; 2 homozygotes.

Submissions (3):

Labcorp Genetics (formerly Invitae), Labcorp
Classification: Benign. Last evaluated: 2026-01-05. Review status: criteria provided, single submitter. Criteria: Invitae Variant Classification Sherloc (09022015). Collection method: clinical testing. Allele origin: germline.

CeGaT Center for Human Genetics Tuebingen
Classification: Likely benign. Last evaluated: 2025-06-01. Review status: criteria provided, single submitter. Criteria: CeGaT Center For Human Genetics Tuebingen Variant Classification Criteria Version 2. Collection method: clinical testing. Allele origin: germline. Affected: yes. Observed: 1 variant allele.
Comment: PLG: BP4, BP7

Blueprint Genetics
Classification: Likely benign. Last evaluated: 2024-10-21. Review status: criteria provided, single submitter. Criteria: ACMG Guidelines, 2015. Collection method: clinical testing. Allele origin: germline.

NM_000301.5(PLG):c.582C>T (p.Asp194=)

Gene: PLG (plasminogen; plus strand). Cytogenetic location: 6q26.
Variant type: single nucleotide variant.
Coding change: c.582C>T on transcript NM_000301.5 (MANE Select); coding-DNA position 582, C replaced by T.
Protein change: p.Asp194=; no amino-acid change (aspartic acid 194 retained).
Molecular consequence: synonymous variant.
Genome position (GRCh38, 1-based): chr6:160,714,828, C>T. VCF-style: chr6-160714828-C-T. GRCh37 (hg19) VCF-style: chr6-161135860-C-T.
Identifiers: ClinVar variation 719712 (VCV000719712.20), dbSNP rs145192723, ClinGen allele CA4087497.
Genomic context (GRCh38, chr6:160,714,828, plus strand): 5'-CTGTCCTTCCTTCCCACTCTGTCCAGAGGAATGTATGCATTGCAGTGGAGAAAACTATGA[C>T]GGCAAAATTTCCAAGACCATGTCTGGACTGGAATGCCAGGCCTGGGACTCTCAGAGCCCA-3'
Protein context (NP_000292.1, residues 184-204): ECMHCSGENY[Asp194=]GKISKTMSGL